The following is an entry in ClinVar:

ClinVar aggregate classification (germline): Uncertain significance (1 of 4 stars; one submission).

Conditions:
Legius syndrome. Identifiers: Orphanet 137605, MedGen C1969623, MONDO:0012669, OMIM 611431. Disease mechanism: loss of function.

gnomAD v4.1: 1 of 1,614,026 alleles (0.000062%); highest among the groups gnomAD compares: South Asian, 0.0011%; no homozygotes.

Submission:

Labcorp Genetics (formerly Invitae), Labcorp
Classification: Uncertain significance for Legius syndrome. Last evaluated: 2023-05-31. Review status: criteria provided, single submitter. Criteria: Invitae Variant Classification Sherloc (09022015). Collection method: clinical testing. Allele origin: germline.
Comment: This sequence change replaces methionine, which is neutral and non-polar, with isoleucine, which is neutral and non-polar, at codon 266 of the SPRED1 protein (p.Met266Ile). This variant is not present in population databases (gnomAD no frequency). This variant has not been reported in the literature in individuals affected with SPRED1-related conditions. In summary, the available evidence is currently insufficient to determine the role of this variant in disease. Therefore, it has been classified as a Variant of Uncertain Significance. Advanced modeling of protein sequence and biophysical properties (such as structural, functional, and spatial information, amino acid conservation, physicochemical variation, residue mobility, and thermodynamic stability) performed at Invitae indicates that this missense variant is not expected to disrupt SPRED1 protein function.

NM_152594.3(SPRED1):c.798G>A (p.Met266Ile)

Gene: SPRED1 (sprouty related EVH1 domain containing 1; plus strand). Cytogenetic location: 15q14.
Variant type: single nucleotide variant.
Coding change: c.798G>A on transcript NM_152594.3 (MANE Select); coding-DNA position 798, G replaced by A.
Protein change: p.Met266Ile; replaces methionine 266 with isoleucine.
Molecular consequence: missense variant.
Genome position (GRCh38, 1-based): chr15:38,351,127, G>A. VCF-style: chr15-38351127-G-A. GRCh37 (hg19) VCF-style: chr15-38643328-G-A.
Other names: short protein forms M266I.
Identifiers: ClinVar variation 2721394 (VCV002721394.3), dbSNP rs2542742655, ClinGen allele CA391933269.
Genomic context (GRCh38, chr15:38,351,127, plus strand): 5'-CAGAATAAACCCTCGAGATATCTTAATACGTCGCTATGCAGACTACAGACATCCTGACAT[G>A]TGGAAAAATGACTTGGAAAGAGATGATGCTGATTCCAGTATTCAGTTTTCTAAACCAGAC-3'
Protein context (NP_689807.1, residues 256-276): RRYADYRHPD[Met266Ile]WKNDLERDDA